The following is an entry in ClinVar:

ClinVar aggregate classification (germline): Likely benign. Review status: criteria provided, multiple submitters, no conflicts (2 of 4 stars). 3 submissions from 3 submitters: Likely benign (2). 1 of the submissions does not count toward it. Last evaluated 2024-12-09.

Conditions:
Immunodeficiency due to CD25 deficiency. Also called: IL2RA DEFICIENCY; CD25 DEFICIENCY; IMMUNODEFICIENCY 41 WITH LYMPHOPROLIFERATION AND AUTOIMMUNITY. Identifiers: Orphanet 169100, MedGen C1853392, MONDO:0011664, OMIM 606367.
IL2RA-related disorder. Also called: IL2RA-related condition.

Allele frequency attached by ClinVar (database versions not stated): TOPMed below 0.00001; gnomAD exomes 0.00002 and 0.00004; ExAC 0.00003.
gnomAD v4.1: 22 of 1,576,324 alleles (0.0014%); highest among the groups gnomAD compares: South Asian, 0.024%; no homozygotes.

Submissions (3):

Labcorp Genetics (formerly Invitae), Labcorp
Classification: Likely benign for Immunodeficiency due to CD25 deficiency. Last evaluated: 2024-12-09. Review status: criteria provided, single submitter. Criteria: Invitae Variant Classification Sherloc (09022015). Collection method: clinical testing. Allele origin: germline.

Blueprint Genetics
Classification: Likely benign. Last evaluated: 2022-01-14. Review status: criteria provided, single submitter. Criteria: ACMG Guidelines, 2015. Collection method: clinical testing. Allele origin: germline.

PreventionGenetics, part of Exact Sciences
Classification: Likely benign for IL2RA-related condition. Last evaluated: 2021-09-03. Review status: no assertion criteria provided. Collection method: clinical testing. Allele origin: germline. Not counted in ClinVar's aggregate classification.
Comment: This variant is classified as likely benign based on ACMG/AMP sequence variant interpretation guidelines (Richards et al. 2015 PMID: 25741868, with internal and published modifications).

NM_000417.3(IL2RA):c.367+10G>A

Gene: IL2RA (interleukin 2 receptor subunit alpha; minus strand). Cytogenetic location: 10p15.1.
Variant type: single nucleotide variant.
Coding change: c.367+10G>A on transcript NM_000417.3 (MANE Select); 10 bases into the intron after coding-DNA position 367, G replaced by A.
Molecular consequence: intron variant.
Genome position (GRCh38, 1-based): chr10:6,024,234, C>T on the plus strand (G>A on the coding strand, the complement: IL2RA is on the minus strand). VCF-style: chr10-6024234-C-T. GRCh37 (hg19) VCF-style: chr10-6066197-C-T.
Other names: c.367+10G>A (NM_000417.2, NM_001308243.2, NM_001308242.2).
Identifiers: ClinVar variation 1157701 (VCV001157701.12), dbSNP rs767262856, ClinGen allele CA5397482.